The following is an entry in ClinVar:

ClinVar aggregate classification (germline): Pathogenic (1 of 4 stars; one submission).

Conditions:
DYRK1A-related intellectual disability syndrome (MRD7). Also called: DYRK1A Syndrome; Intellectual developmental disorder, autosomal dominant 7. Identifiers: Orphanet 464306, MedGen C5568143, MONDO:0013578, OMIM 614104.

Submission:

Labcorp Genetics (formerly Invitae), Labcorp
Classification: Pathogenic for DYRK1A-related intellectual disability syndrome. Last evaluated: 2022-06-04. Review status: criteria provided, single submitter. Criteria: Invitae Variant Classification Sherloc (09022015). Collection method: clinical testing. Allele origin: germline.
Comment: This sequence change creates a premature translational stop signal (p.Tyr319*) in the DYRK1A gene. It is expected to result in an absent or disrupted protein product. Loss-of-function variants in DYRK1A are known to be pathogenic (PMID: 25944381). For these reasons, this variant has been classified as Pathogenic. This variant is also known as c.930C>A, p.Tyr310* . This premature translational stop signal has been observed in individual(s) with clinical features of DYRK1A-related conditions (PMID: 31803247). This variant is not present in population databases (gnomAD no frequency).

Literature cited by the submitters: PubMed 25944381; PubMed 31803247.

NM_001347721.2(DYRK1A):c.930C>A (p.Tyr310Ter)

Gene: DYRK1A (dual specificity tyrosine phosphorylation regulated kinase 1A; plus strand). Cytogenetic location: 21q22.13.
Variant type: single nucleotide variant.
Coding change: c.930C>A on transcript NM_001347721.2 (MANE Select); coding-DNA position 930, C replaced by A.
Protein change: p.Tyr310Ter; replaces tyrosine 310 with a stop codon.
Molecular consequence: nonsense.
Genome position (GRCh38, 1-based): chr21:37,493,022, C>A. VCF-style: chr21-37493022-C-A. GRCh37 (hg19) VCF-style: chr21-38865324-C-A.
Other names: c.930C>A, p.Tyr310Ter (NM_001347722.2, NM_130436.2); c.843C>A, p.Tyr281Ter (NM_001347723.2); c.957C>A, p.Tyr319Ter (NM_001396.5, NM_101395.2, NM_130438.2); short protein forms Y319*, Y281*, Y310*.
Identifiers: ClinVar variation 1918259 (VCV001918259.5), dbSNP rs745768777, ClinGen allele CA409936371.